The following is an entry in ClinVar:

NM_001376.5(DYNC1H1):c.4461C>G (p.Ile1487Met)

Gene: DYNC1H1 (dynein cytoplasmic 1 heavy chain 1; plus strand). Cytogenetic location: 14q32.31.
Variant type: single nucleotide variant.
Coding change: c.4461C>G on transcript NM_001376.5 (MANE Select); coding-DNA position 4461, C replaced by G.
Protein change: p.Ile1487Met; replaces isoleucine 1487 with methionine.
Molecular consequence: missense variant.
Genome position (GRCh38, 1-based): chr14:102,001,600, C>G. VCF-style: chr14-102001600-C-G. GRCh37 (hg19) VCF-style: chr14-102467937-C-G.
Other names: short protein forms I1487M.
Identifiers: ClinVar variation 2794598 (VCV002794598.4), dbSNP rs745509545, ClinGen allele CA7352240.
Genomic context (GRCh38, chr14:102,001,600, plus strand): 5'-AGAAGTGTGGAATACTTATGAACTAGACTTGGTTAATTATCAGAACAAGTGCCGCTTGAT[C>G]CGTGGCTGGGATGACCTCTTCAACAAGGTCAAAGAACACATCAACAGCGTCTCGGCCATG-3'
Protein context (NP_001367.2, residues 1477-1497): LVNYQNKCRL[Ile1487Met]RGWDDLFNKV

ClinVar aggregate classification (germline): Uncertain significance. Review status: criteria provided, multiple submitters, no conflicts (2 of 4 stars). 2 submissions from 2 submitters: Uncertain significance (2). Last evaluated 2025-05-19.

Conditions:
Charcot-Marie-Tooth disease axonal type 2O. Also called: CHARCOT-MARIE-TOOTH NEUROPATHY, AXONAL, TYPE 2O; CHARCOT-MARIE-TOOTH DISEASE, AXONAL, AUTOSOMAL DOMINANT, TYPE 2O; Charcot-Marie-Tooth disease, axonal, type 20; Charcot-Marie-Tooth Neuropathy Type 2O. Identifiers: Orphanet 284232, MedGen C3280220, MONDO:0013644, OMIM 614228.

Allele frequency attached by ClinVar (database versions not stated): ExAC 0.00001.
gnomAD v4.1: 3 of 1,614,130 alleles (0.00019%); highest among the groups gnomAD compares: African/African-American, 0.004%; no homozygotes.

Submissions (2):

Labcorp Genetics (formerly Invitae), Labcorp
Classification: Uncertain significance for Charcot-Marie-Tooth disease axonal type 2O. Last evaluated: 2025-05-19. Review status: criteria provided, single submitter. Criteria: Invitae Variant Classification Sherloc (09022015). Collection method: clinical testing. Allele origin: germline.
Comment: This sequence change replaces isoleucine, which is neutral and non-polar, with methionine, which is neutral and non-polar, at codon 1487 of the DYNC1H1 protein (p.Ile1487Met). This variant is present in population databases (rs745509545, gnomAD 0.007%). This variant has not been reported in the literature in individuals affected with DYNC1H1-related conditions. ClinVar contains an entry for this variant (Variation ID: 2794598). Invitae Evidence Modeling of protein sequence and biophysical properties (such as structural, functional, and spatial information, amino acid conservation, physicochemical variation, residue mobility, and thermodynamic stability) indicates that this missense variant is expected to disrupt DYNC1H1 protein function with a positive predictive value of 95%. In summary, the available evidence is currently insufficient to determine the role of this variant in disease. Therefore, it has been classified as a Variant of Uncertain Significance.

GeneDx
Classification: Uncertain significance. Last evaluated: 2023-08-03. Review status: criteria provided, single submitter. Criteria: GeneDx Variant Classification Process June 2021. Collection method: clinical testing. Allele origin: germline. Affected: yes.
Comment: In silico analysis supports that this missense variant has a deleterious effect on protein structure/function; Has not been previously published as pathogenic or benign to our knowledge; This variant is associated with the following publications: (PMID: 26100331, 25609763, 25512093)